The following is an entry in ClinVar:

NM_001164508.2(NEB):c.20851A>G (p.Ile6951Val)

Gene: NEB (nebulin; minus strand). Cytogenetic location: 2q23.3.
Variant type: single nucleotide variant.
Coding change: c.20851A>G on transcript NM_001164508.2 (MANE Select); coding-DNA position 20851, A replaced by G.
Protein change: p.Ile6951Val; replaces isoleucine 6951 with valine.
Molecular consequence: missense variant.
Genome position (GRCh38, 1-based): chr2:151,540,385, T>C on the plus strand (A>G on the coding strand, the complement: NEB is on the minus strand). VCF-style: chr2-151540385-T-C. GRCh37 (hg19) VCF-style: chr2-152396899-T-C.
Other names: c.20851A>G, p.Ile6951Val (NM_001164507.2, NM_001271208.2); c.15748A>G, p.Ile5250Val (NM_004543.5); short protein forms I5250V, I6951V.
Identifiers: ClinVar variation 1480552 (VCV001480552.10), dbSNP rs1168345348, ClinGen allele CA348777031.

ClinVar aggregate classification (germline): Uncertain significance. Review status: criteria provided, multiple submitters, no conflicts (2 of 4 stars). 2 submissions from 2 submitters: Uncertain significance (2). Last evaluated 2023-07-25.

Conditions:
Nemaline myopathy 2 (NEM2). Also called: Nemaline myopathy 2, autosomal recessive. Identifiers: MedGen C1850569, MONDO:0009725, OMIM 256030.

Allele frequency attached by ClinVar (database versions not stated): gnomAD exomes below 0.00001; TOPMed below 0.00001.
gnomAD v4.1: 4 of 1,586,670 alleles (0.00025%); highest among the groups gnomAD compares: Non-Finnish European, 0.00034%; no homozygotes.

Submissions (2):

Revvity Omics, Revvity
Classification: Uncertain significance. Last evaluated: 2023-07-25. Review status: criteria provided, single submitter. Criteria: ACMG Guidelines, 2015. Collection method: clinical testing. Allele origin: germline.

Labcorp Genetics (formerly Invitae), Labcorp
Classification: Uncertain significance for Nemaline myopathy 2. Last evaluated: 2021-05-11. Review status: criteria provided, single submitter. Criteria: Invitae Variant Classification Sherloc (09022015). Collection method: clinical testing. Allele origin: germline.
Comment: In summary, the available evidence is currently insufficient to determine the role of this variant in disease. Therefore, it has been classified as a Variant of Uncertain Significance. Algorithms developed to predict the effect of missense changes on protein structure and function output the following: SIFT: "Deleterious"; PolyPhen-2: "Not Available"; Align-GVGD: "Class C0". The valine amino acid residue is found in multiple mammalian species, suggesting that this missense change does not adversely affect protein function. These predictions have not been confirmed by published functional studies and their clinical significance is uncertain. This variant has not been reported in the literature in individuals with NEB-related conditions. This variant is not present in population databases (ExAC no frequency). This sequence change replaces isoleucine with valine at codon 6951 of the NEB protein (p.Ile6951Val). The isoleucine residue is moderately conserved and there is a small physicochemical difference between isoleucine and valine.